The following is an entry in ClinVar:

NC_000001.10:g.(?_160090676)_(160327063_?)dup

Genes: ATP1A2 (ATPase Na+/K+ transporting subunit alpha 2; plus strand), ATP1A4 (ATPase Na+/K+ transporting subunit alpha 4; plus strand), CASQ1 (calsequestrin 1; plus strand), COPA (coat protein complex I subunit alpha; minus strand), DCAF8 (DDB1 and CUL4 associated factor 8; minus strand) and 4 more. Cytogenetic location: 1q23.2.
Variant type: Duplication.
Identifiers: ClinVar variation 1345184 (VCV001345184.4).

ClinVar aggregate classification (germline): Uncertain significance. Review status: criteria provided, single submitter (1 of 4 stars). 2 submissions from 1 submitter: Uncertain significance (2). Last evaluated 2021-01-08.

Conditions:
Peroxisome biogenesis disorder 12A (Zellweger). Also called: Peroxisome biogenesis disorder 12A. Identifiers: Orphanet 912, MedGen C3554002, MONDO:0013951, OMIM 614886.
Familial hemiplegic migraine. Identifiers: MedGen C0338484, MONDO:0000700.

Submissions (2):

Labcorp Genetics (formerly Invitae), Labcorp
Classification: Uncertain significance for Peroxisome biogenesis disorder 12A (Zellweger). Last evaluated: 2021-01-08. Review status: criteria provided, single submitter. Criteria: Invitae Variant Classification Sherloc (09022015). Collection method: clinical testing. Allele origin: germline.
Comment: In summary, the available evidence is currently insufficient to determine the role of this variant in disease. Therefore, it has been classified as a Variant of Uncertain Significance. This variant has not been reported in the literature in individuals with PEX19-related conditions. A copy number gain of the genomic region encompassing the full coding sequence of the PEX19 gene has been identified. The boundaries of this event are unknown as they extend beyond the assayed region for this gene and therefore may encompass additional genes. As the precise location of this event is unknown, it may be in tandem or it may be located elsewhere in the genome.

Labcorp Genetics (formerly Invitae), Labcorp
Classification: Uncertain significance for Familial hemiplegic migraine. Last evaluated: 2021-01-08. Review status: criteria provided, single submitter. Criteria: Invitae Variant Classification Sherloc (09022015). Collection method: clinical testing. Allele origin: germline.
Comment: This variant results in a copy number gain of the genomic region encompassing exon(s) 2-23 of the ATP1A2 gene. The 5' boundary is likely confined to intron 1. The 3' end of this event is unknown as it extends beyond the assayed region for this gene and therefore may encompass additional genes. As the precise location of this event is unknown, it may be in tandem or it may be located elsewhere in the genome. This variant has not been reported in the literature in individuals with ATP1A2-related conditions. In summary, the available evidence is currently insufficient to determine the role of this variant in disease. Therefore, it has been classified as a Variant of Uncertain Significance.